The following is an entry in ClinVar:

NM_001080517.3(SETD5):c.265G>A (p.Val89Ile)

Gene: SETD5 (SET domain containing 5; plus strand). Cytogenetic location: 3p25.3.
Variant type: single nucleotide variant.
Coding change: c.265G>A on transcript NM_001080517.3 (MANE Select); coding-DNA position 265, G replaced by A.
Protein change: p.Val89Ile; replaces valine 89 with isoleucine.
Molecular consequence: missense variant. On other transcripts: 5 prime UTR variant (2).
Genome position (GRCh38, 1-based): chr3:9,434,421, G>A. VCF-style: chr3-9434421-G-A. GRCh37 (hg19) VCF-style: chr3-9476105-G-A.
Other names: c.265G>A (NM_001080517.1); c.-69G>A (NM_001292043.2); c.-110G>A (NM_001349451.2); short protein forms V89I.
Identifiers: ClinVar variation 2798653 (VCV002798653.4), dbSNP rs1174695466, ClinGen allele CA351682819.
Genomic context (GRCh38, chr3:9,434,421, plus strand): 5'-GGCCTGCCGTCGCCTGTAGAGGAACGCTGTGGAGACAGCCCGAACTCTGAAGGAGAAACT[G>A]TACCTACCTGGTGTCCTTGTGGTCTTTCTCAGGATGGCTTCCTTCTCAACTGTGACAAGT-3'
Protein context (NP_001073986.1, residues 79-99): GDSPNSEGET[Val89Ile]PTWCPCGLSQ

ClinVar aggregate classification (germline): Uncertain significance. Review status: criteria provided, multiple submitters, no conflicts (2 of 4 stars). 2 submissions from 2 submitters: Uncertain significance (2). Last evaluated 2024-12-30.

Conditions:
Inborn genetic diseases. Identifiers: MedGen C0950123, MeSH D030342.

gnomAD v4.1: 5 of 1,613,852 alleles (0.00031%); highest among the groups gnomAD compares: Non-Finnish European, 0.00034%; no homozygotes.

Submissions (2):

Ambry Genetics
Classification: Uncertain significance for Inborn genetic diseases. Last evaluated: 2024-12-30. Review status: criteria provided, single submitter. Criteria: Ambry Variant Classification Scheme 2023. Collection method: clinical testing. Allele origin: germline.

Labcorp Genetics (formerly Invitae), Labcorp
Classification: Uncertain significance. Last evaluated: 2023-09-03. Review status: criteria provided, single submitter. Criteria: Invitae Variant Classification Sherloc (09022015). Collection method: clinical testing. Allele origin: germline.
Comment: This sequence change replaces valine, which is neutral and non-polar, with isoleucine, which is neutral and non-polar, at codon 89 of the SETD5 protein (p.Val89Ile). This variant is not present in population databases (gnomAD no frequency). This variant has not been reported in the literature in individuals affected with SETD5-related conditions. Advanced modeling of protein sequence and biophysical properties (such as structural, functional, and spatial information, amino acid conservation, physicochemical variation, residue mobility, and thermodynamic stability) performed at Invitae indicates that this missense variant is not expected to disrupt SETD5 protein function. In summary, the available evidence is currently insufficient to determine the role of this variant in disease. Therefore, it has been classified as a Variant of Uncertain Significance.